The following is an entry in ClinVar:

ClinVar aggregate classification (germline): Uncertain significance (1 of 4 stars; one submission).

Submission:

Ambry Genetics
Classification: Uncertain significance. Last evaluated: 2025-04-06. Review status: criteria provided, single submitter. Criteria: Ambry Variant Classification Scheme 2023. Collection method: clinical testing. Allele origin: germline.
Comment: Does not currently meet published gene-disease clinical validity criteria Based on insufficient or conflicting evidence, the clinical significance of this alteration remains unclear.

Literature cited by the submitters: PubMed 28106320.

NM_012301.4(MAGI2):c.2823G>C (p.Arg941Ser)

Gene: MAGI2 (membrane associated guanylate kinase, WW and PDZ domain containing 2; minus strand). Cytogenetic location: 7q21.11.
Variant type: single nucleotide variant.
Coding change: c.2823G>C on transcript NM_012301.4 (MANE Select); coding-DNA position 2823, G replaced by C.
Protein change: p.Arg941Ser; replaces arginine 941 with serine.
Molecular consequence: missense variant.
Genome position (GRCh38, 1-based): chr7:78,160,047, C>G on the plus strand (G>C on the coding strand, the complement: MAGI2 is on the minus strand). VCF-style: chr7-78160047-C-G. GRCh37 (hg19) VCF-style: chr7-77789364-C-G.
Other names: c.2781G>C, p.Arg927Ser (NM_001301128.2); short protein forms R927S, R941S.
Identifiers: ClinVar variation 4050687 (VCV004050687.1).